The following is an entry in ClinVar:

NM_000501.4(ELN):c.352G>T (p.Val118Phe)

Gene: ELN (elastin; plus strand). Cytogenetic location: 7q11.23.
Variant type: single nucleotide variant.
Coding change: c.352G>T on transcript NM_000501.4 (MANE Select); coding-DNA position 352, G replaced by T.
Protein change: p.Val118Phe; replaces valine 118 with phenylalanine.
Molecular consequence: missense variant.
Genome position (GRCh38, 1-based): chr7:74,043,010, G>T. VCF-style: chr7-74043010-G-T. GRCh37 (hg19) VCF-style: chr7-73457340-G-T.
Other names: c.322G>T, p.Val108Phe (NM_001081752.3, NM_001278914.2, NM_001278917.2 and 1 more transcripts); c.352G>T, p.Val118Phe (NM_001081753.3, NM_001081754.3, NM_001081755.3 and 4 more transcripts); c.316G>T, p.Val106Phe (NM_001278913.2); short protein forms V106F, V108F, V118F.
Identifiers: ClinVar variation 1723809 (VCV001723809.2), dbSNP rs781922544, ClinGen allele CA4292452.

ClinVar aggregate classification (germline): Uncertain significance (1 of 4 stars; one submission).

Allele frequency attached by ClinVar (database versions not stated): gnomAD exomes below 0.00001; ExAC 0.00001; gnomAD 0.00001.

Submission:

GeneDx
Classification: Uncertain significance. Last evaluated: 2022-05-10. Review status: criteria provided, single submitter. Criteria: GeneDx Variant Classification Process June 2021. Collection method: clinical testing. Allele origin: germline. Affected: yes.
Comment: Not observed at significant frequency in large population cohorts (gnomAD); In silico analysis supports that this missense variant has a deleterious effect on protein structure/function; Has not been previously published as pathogenic or benign to our knowledge